The following is an entry in ClinVar:

NM_001384950.1(NLRC5):c.2947C>G (p.His983Asp)

Gene: NLRC5 (NLR family CARD domain containing 5; plus strand). Cytogenetic location: 16q13.
Variant type: single nucleotide variant.
Coding change: c.2947C>G on transcript NM_001384950.1 (MANE Select); coding-DNA position 2947, C replaced by G.
Protein change: p.His983Asp; replaces histidine 983 with aspartic acid.
Molecular consequence: missense variant. On other transcripts: non-coding transcript variant (9).
Genome position (GRCh38, 1-based): chr16:57,041,492, C>G. VCF-style: chr16-57041492-C-G. GRCh37 (hg19) VCF-style: chr16-57075404-C-G.
Other names: c.2947C>G, p.His983Asp (NM_001330552.2, NM_001384951.1, NM_001384952.1 and 19 more transcripts); c.2863C>G, p.His955Asp (NM_001384960.1, NM_001384965.1); c.2707C>G, p.His903Asp (NM_001384972.1); short protein forms H983D, H903D, H955D.
Identifiers: ClinVar variation 103170 (VCV000103170.2), dbSNP rs199475989, ClinGen allele CA230215.

ClinVar aggregate classification (germline): not provided (0 of 4 stars; one submission).

Allele frequency attached by ClinVar (database versions not stated): ExAC 0.00001; gnomAD 0.00001; gnomAD exomes 0.00001.
gnomAD v4.1: 1 of 1,613,992 alleles (0.000062%); highest among the groups gnomAD compares: Non-Finnish European, 0.000085%; no homozygotes.

Submission:

Human Evolutionary Genetics, Institut Pasteur
No classification provided. Review status: no classification provided. Collection method: not provided. Allele origin: germline.
ClinVar note: Converted during submission from untested to not provided.